The following is an entry in ClinVar:

NM_002519.3(NPAT):c.754A>G (p.Lys252Glu)

Gene: NPAT (nuclear protein, coactivator of histone transcription; minus strand). Cytogenetic location: 11q22.3.
Variant type: single nucleotide variant.
Coding change: c.754A>G on transcript NM_002519.3 (MANE Select); coding-DNA position 754, A replaced by G.
Protein change: p.Lys252Glu; replaces lysine 252 with glutamic acid.
Molecular consequence: missense variant.
Genome position (GRCh38, 1-based): chr11:108,185,467, T>C on the plus strand (A>G on the coding strand, the complement: NPAT is on the minus strand). VCF-style: chr11-108185467-T-C. GRCh37 (hg19) VCF-style: chr11-108056194-T-C.
Other names: c.754A>G, p.Lys252Glu (NM_001321307.1); short protein forms K252E.
Identifiers: ClinVar variation 1759466 (VCV001759466.2), dbSNP rs773028714, ClinGen allele CA6264191.

ClinVar aggregate classification (germline): Uncertain significance (1 of 4 stars; one submission).

Allele frequency attached by ClinVar (database versions not stated): gnomAD exomes below 0.00001; ExAC 0.00001.
gnomAD v4.1: 5 of 1,611,874 alleles (0.00031%); highest among the groups gnomAD compares: Non-Finnish European, 0.00042%; no homozygotes.

Submission:

Ambry Genetics
Classification: Uncertain significance. Last evaluated: 2021-11-06. Review status: criteria provided, single submitter. Criteria: Ambry Variant Classification Scheme 2023. Collection method: clinical testing. Allele origin: germline.
Comment: The p.K252E variant (also known as c.754A>G), located in coding exon 9 of the NPAT gene, results from an A to G substitution at nucleotide position 754. The lysine at codon 252 is replaced by glutamic acid, an amino acid with similar properties. This amino acid position is conserved. In addition, this alteration is predicted to be tolerated by in silico analysis. Since supporting evidence is limited at this time, the clinical significance of this alteration remains unclear.